The following is an entry in ClinVar:

NM_015512.5(DNAH1):c.3607A>G (p.Met1203Val)

Gene: DNAH1 (dynein axonemal heavy chain 1; plus strand). Cytogenetic location: 3p21.1.
Variant type: single nucleotide variant.
Coding change: c.3607A>G on transcript NM_015512.5 (MANE Select); coding-DNA position 3607, A replaced by G.
Protein change: p.Met1203Val; replaces methionine 1203 with valine.
Molecular consequence: missense variant.
Genome position (GRCh38, 1-based): chr3:52,354,969, A>G. VCF-style: chr3-52354969-A-G. GRCh37 (hg19) VCF-style: chr3-52388985-A-G.
Other names: short protein forms M1203V.
Identifiers: ClinVar variation 2404365 (VCV002404365.5), dbSNP rs371532292, ClinGen allele CA2433629.

ClinVar aggregate classification (germline): Uncertain significance. Review status: criteria provided, multiple submitters, no conflicts (2 of 4 stars). 2 submissions from 2 submitters: Uncertain significance (2). Last evaluated 2025-06-30.

Conditions:
Spermatogenic failure 18. Identifiers: MedGen C4539783, MONDO:0054615, OMIM 617576.
Ciliary dyskinesia, primary, 37 (CILD37). Also called: CILIARY DYSKINESIA, PRIMARY, 37, WITH OR WITHOUT SITUS INVERSUS. Identifiers: MedGen C4539798, MONDO:0033204, OMIM 617577.

Allele frequency attached by ClinVar (database versions not stated): TOPMed 0.00001; gnomAD 0.00001; ExAC 0.00002; ESP Exome Variant Server 0.00008; gnomAD exomes 0.00004.

Submissions (2):

Ambry Genetics
Classification: Uncertain significance. Last evaluated: 2025-06-30. Review status: criteria provided, single submitter. Criteria: Ambry Variant Classification Scheme 2023. Collection method: clinical testing. Allele origin: germline.

Labcorp Genetics (formerly Invitae), Labcorp
Classification: Uncertain significance for Ciliary dyskinesia, primary, 37; Spermatogenic failure 18. Last evaluated: 2025-02-13. Review status: criteria provided, single submitter. Criteria: Invitae Variant Classification Sherloc (09022015). Collection method: clinical testing. Allele origin: germline.
Comment: This sequence change replaces methionine, which is neutral and non-polar, with valine, which is neutral and non-polar, at codon 1203 of the DNAH1 protein (p.Met1203Val). This variant is present in population databases (rs371532292, gnomAD 0.004%). This variant has not been reported in the literature in individuals affected with DNAH1-related conditions. ClinVar contains an entry for this variant (Variation ID: 2404365). Invitae Evidence Modeling of protein sequence and biophysical properties (such as structural, functional, and spatial information, amino acid conservation, physicochemical variation, residue mobility, and thermodynamic stability) indicates that this missense variant is not expected to disrupt DNAH1 protein function with a negative predictive value of 80%. In summary, the available evidence is currently insufficient to determine the role of this variant in disease. Therefore, it has been classified as a Variant of Uncertain Significance.